The following is an entry in ClinVar:

ClinVar aggregate classification (germline): Conflicting classifications of pathogenicity. Review status: criteria provided, conflicting classifications (1 of 4 stars). 3 submissions from 3 submitters: Uncertain significance (2); Likely benign (1). Last evaluated 2024-10-18.

Conditions:
Breast-ovarian cancer, familial, susceptibility to, 4. Identifiers: Orphanet 145, MedGen C3280345, MONDO:0013669, OMIM 614291.
Hereditary cancer-predisposing syndrome. Also called: Neoplastic Syndromes, Hereditary; Tumor predisposition; Hereditary Cancer Syndrome; Hereditary neoplastic syndrome. Identifiers: Orphanet 140162, MedGen C0027672, MeSH D009386, MONDO:0015356.

Allele frequency attached by ClinVar (database versions not stated): gnomAD exomes below 0.00001 and 0.00001; ExAC 0.00001.

Submissions (3):

Labcorp Genetics (formerly Invitae), Labcorp
Classification: Uncertain significance for Breast-ovarian cancer, familial, susceptibility to, 4. Last evaluated: 2024-10-18. Review status: criteria provided, single submitter. Criteria: Invitae Variant Classification Sherloc (09022015). Collection method: clinical testing. Allele origin: germline.
Comment: This sequence change replaces arginine, which is basic and polar, with lysine, which is basic and polar, at codon 259 of the RAD51D protein (p.Arg259Lys). This variant is present in population databases (rs771473156, gnomAD 0.002%). This variant has not been reported in the literature in individuals affected with RAD51D-related conditions. ClinVar contains an entry for this variant (Variation ID: 641158). Invitae Evidence Modeling of protein sequence and biophysical properties (such as structural, functional, and spatial information, amino acid conservation, physicochemical variation, residue mobility, and thermodynamic stability) indicates that this missense variant is not expected to disrupt RAD51D protein function with a negative predictive value of 80%. In summary, the available evidence is currently insufficient to determine the role of this variant in disease. Therefore, it has been classified as a Variant of Uncertain Significance.

Ambry Genetics
Classification: Likely benign for Hereditary cancer-predisposing syndrome. Last evaluated: 2020-07-21. Review status: criteria provided, single submitter. Criteria: Ambry Variant Classification Scheme 2023. Collection method: clinical testing. Allele origin: germline.

Color Diagnostics, LLC DBA Color Health
Classification: Uncertain significance for Hereditary cancer-predisposing syndrome. Last evaluated: 2019-12-09. Review status: criteria provided, single submitter. Criteria: ACMG Guidelines, 2015. Collection method: clinical testing. Allele origin: germline.
Comment: This missense variant replaces arginine with lysine at codon 259 of the RAD51D protein. Computational prediction suggests that this variant may not impact protein structure and function (internally defined REVEL score threshold <= 0.5, PMID: 27666373). Splice site prediction tools suggest that this variant may not impact RNA splicing. To our knowledge, functional studies have not been performed for this variant. This variant has not been reported in individuals affected with hereditary cancer in the literature. This variant has been identified in 2/251384 chromosomes in the general population by the Genome Aggregation Database (gnomAD). The available evidence is insufficient to determine the role of this variant in disease conclusively. Therefore, this variant is classified as a Variant of Uncertain Significance.

NM_002878.4(RAD51D):c.776G>A (p.Arg259Lys)

Genes: RAD51D (RAD51 paralog D; minus strand), RAD51L3-RFFL (RAD51L3-RFFL readthrough; minus strand). Cytogenetic location: 17q12.
Variant type: single nucleotide variant.
Coding change: c.776G>A on transcript NM_002878.4 (MANE Select); coding-DNA position 776, G replaced by A.
Protein change: p.Arg259Lys; replaces arginine 259 with lysine.
Molecular consequence: missense variant. On other transcripts: non-coding transcript variant (3).
Genome position (GRCh38, 1-based): chr17:35,101,328, C>T on the plus strand (G>A on the coding strand, the complement: RAD51D is on the minus strand). VCF-style: chr17-35101328-C-T. GRCh37 (hg19) VCF-style: chr17-33428347-C-T.
Other names: c.836G>A, p.Arg279Lys (NM_001142571.2); c.440G>A, p.Arg147Lys (NM_133629.3); short protein forms R259K, R279K, R147K.
Identifiers: ClinVar variation 641158 (VCV000641158.13), dbSNP rs771473156, ClinGen allele CA8499344.
Genomic context (GRCh38, chr17:35,101,328, plus strand): 5'-TCCAGGAGAATCCGAGTGCTGGGCACAAAGCTCCAGGAGCGTCCGAGGGCAGGTTTGAGC[C>T]TCCCGCTGTCCCTGTCTCGAGTTATGTGGTTGGTCACCTGCAGCAGAAACAGACTTACAG-3'
Protein context (NP_002869.3, residues 249-269): NHITRDRDSG[Arg259Lys]LKPALGRSWS